The following is an entry in ClinVar:

ClinVar aggregate classification (germline): Conflicting classifications of pathogenicity. Review status: criteria provided, conflicting classifications (1 of 4 stars). 4 submissions from 4 submitters: Uncertain significance (2); Likely benign (1). 1 of the submissions does not count toward it. Last evaluated 2026-01-27.

Conditions:
Glaucoma 3, primary congenital, D. Identifiers: Orphanet 98976, MedGen C2751316, MONDO:0013122, OMIM 613086.
Microspherophakia and/or megalocornea, with ectopia lentis and with or without secondary glaucoma (MSPKA). Identifiers: Orphanet 238763, MedGen C3538951, MONDO:0009633, OMIM 251750.
Weill-Marchesani syndrome 3 (WMS3). Also called: LTBP2-Related Weill-Marchesani Syndrome; Weill-Marchesani syndrome 3, recessive. Identifiers: Orphanet 3449, MedGen C3553785, MONDO:0013899, OMIM 614819.
LTBP2-related disorder. Also called: LTBP2-related disorders; LTBP2-related condition.

Allele frequency attached by ClinVar (database versions not stated): gnomAD exomes 0.00008 and 0.00023; ExAC 0.00026; 1000 Genomes Project 0.00040; 1000 Genomes Project 30x 0.00047; ESP Exome Variant Server 0.00085; gnomAD 0.00089; TOPMed 0.00115.
gnomAD v4.1: 251 of 1,614,204 alleles (0.016%); highest among the groups gnomAD compares: African/African-American, 0.31%; no homozygotes.

Submissions (4):

Labcorp Genetics (formerly Invitae), Labcorp
Classification: Likely benign. Last evaluated: 2026-01-27. Review status: criteria provided, single submitter. Criteria: Invitae Variant Classification Sherloc (09022015). Collection method: clinical testing. Allele origin: germline.

GeneDx
Classification: Uncertain significance. Last evaluated: 2024-07-13. Review status: criteria provided, single submitter. Criteria: GeneDx Variant Classification Process June 2021. Collection method: clinical testing. Allele origin: germline. Affected: yes.
Comment: Has not been previously published as pathogenic or benign to our knowledge; In silico analysis, which includes protein predictors and evolutionary conservation, supports that this variant does not alter protein structure/function

Center for Genomics, Ann and Robert H. Lurie Children's Hospital of Chicago
Classification: Uncertain significance for Glaucoma 3, primary congenital, D; Microspherophakia and/or megalocornea, with ectopia lentis and with or without secondary glaucoma; Weill-Marchesani syndrome 3. Review status: criteria provided, single submitter. Criteria: ACMG Guidelines, 2015. Collection method: clinical testing. Allele origin: germline.
Comment: This variant has not been reported in the literature but is present in the Genome Aggregation Database (Highest MAF: 0.3% [127/41448]) and in ClinVar (Variation ID:737480). Evolutionary conservation and computational predictive tools suggest that this variant may not impact the protein. In summary, data on this variant is insufficient for disease classification. Therefore, the clinical significance of this variant is uncertain.

PreventionGenetics, part of Exact Sciences
Classification: Likely benign for LTBP2-related condition. Last evaluated: 2022-03-23. Review status: no assertion criteria provided. Collection method: clinical testing. Allele origin: germline. Not counted in ClinVar's aggregate classification.
Comment: This variant is classified as likely benign based on ACMG/AMP sequence variant interpretation guidelines (Richards et al. 2015 PMID: 25741868, with internal and published modifications).

NM_000428.3(LTBP2):c.4072G>T (p.Ala1358Ser)

Gene: LTBP2 (latent transforming growth factor beta binding protein 2; minus strand). Cytogenetic location: 14q24.3.
Variant type: single nucleotide variant.
Coding change: c.4072G>T on transcript NM_000428.3 (MANE Select); coding-DNA position 4072, G replaced by T.
Protein change: p.Ala1358Ser; replaces alanine 1358 with serine.
Molecular consequence: missense variant.
Genome position (GRCh38, 1-based): chr14:74,506,153, C>A on the plus strand (G>T on the coding strand, the complement: LTBP2 is on the minus strand). VCF-style: chr14-74506153-C-A. GRCh37 (hg19) VCF-style: chr14-74972856-C-A.
Other names: short protein forms A1358S.
Identifiers: ClinVar variation 737480 (VCV000737480.15), dbSNP rs139138043, ClinGen allele CA7268878.